The following is an entry in ClinVar:

ClinVar aggregate classification (germline): Likely pathogenic. Review status: criteria provided, single submitter (1 of 4 stars). 2 submissions from 2 submitters: Likely pathogenic (1). 1 of the submissions does not count toward it. Last evaluated 2017-04-27.

Conditions:
Mitochondrial complex 2 deficiency, nuclear type 2. Also called: MITOCHONDRIAL COMPLEX II DEFICIENCY, NUCLEAR TYPE 2. Identifiers: MedGen C5436933, MONDO:0030935, OMIM 619166.

Allele frequency attached by ClinVar (database versions not stated): gnomAD exomes 0.00002.

Submissions (2):

GeneDx
Classification: Likely pathogenic. Last evaluated: 2017-04-27. Review status: criteria provided, single submitter. Criteria: GeneDx Variant Classification (06012015). Collection method: clinical testing. Allele origin: germline. Affected: yes.
Comment: The Q8X variant in the SDHAF1 gene has been reported previously in the homozygous state in an individual with complex II deficiency (Ohlenbusch et al., 2012). This variant is predicted to cause loss of normal protein function through protein truncation. The Q8X variant is not observed in large population cohorts (Lek et al., 2016; 1000 Genomes Consortium et al., 2015; Exome Variant Server). We interpret Q8X as a likely pathogenic variant.

OMIM
Classification: Pathogenic for MITOCHONDRIAL COMPLEX II DEFICIENCY, NUCLEAR TYPE 2. Last evaluated: 2021-03-15. Review status: no assertion criteria provided. Collection method: literature only. Allele origin: germline. Not counted in ClinVar's aggregate classification.

Literature cited by the submitters: PubMed 22995659 (cited by OMIM); PubMed 12112045 (cited by OMIM).

NM_001042631.3(SDHAF1):c.22C>T (p.Gln8Ter)

Genes: SDHAF1 (succinate dehydrogenase complex assembly factor 1; plus strand), LOC130064279 (ATAC-STARR-seq lymphoblastoid active region 14513; plus strand). Cytogenetic location: 19q13.12.
Variant type: single nucleotide variant.
Coding change: c.22C>T on transcript NM_001042631.3 (MANE Select); coding-DNA position 22, C replaced by T.
Protein change: p.Gln8Ter; replaces glutamine 8 with a stop codon.
Molecular consequence: nonsense.
Genome position (GRCh38, 1-based): chr19:35,995,296, C>T. VCF-style: chr19-35995296-C-T. GRCh37 (hg19) VCF-style: chr19-36486198-C-T.
Other names: short protein forms Q8*.
Identifiers: ClinVar variation 426195 (VCV000426195.3), dbSNP rs1085307492, ClinGen allele CA405422778.